The following is an entry in ClinVar:

NM_001276270.2(MBD4):c.1498C>T (p.Leu500Phe)

Gene: MBD4 (methyl-CpG binding domain 4, DNA glycosylase; minus strand). Cytogenetic location: 3q21.3.
Variant type: single nucleotide variant.
Coding change: c.1498C>T on transcript NM_001276270.2 (MANE Select); coding-DNA position 1498, C replaced by T.
Protein change: p.Leu500Phe; replaces leucine 500 with phenylalanine.
Molecular consequence: missense variant.
Genome position (GRCh38, 1-based): chr3:129,433,143, G>A on the plus strand (C>T on the coding strand, the complement: MBD4 is on the minus strand). VCF-style: chr3-129433143-G-A. GRCh37 (hg19) VCF-style: chr3-129151986-G-A.
Other names: c.1516C>T, p.Leu506Phe (NM_001276271.2, NM_001276272.2, NM_003925.3); c.562C>T, p.Leu188Phe (NM_001276273.2); short protein forms L188F, L500F, L506F.
Identifiers: ClinVar variation 3700090 (VCV003700090.3).

ClinVar aggregate classification (germline): Uncertain significance. Review status: criteria provided, multiple submitters, no conflicts (2 of 4 stars). 2 submissions from 2 submitters: Uncertain significance (2). Last evaluated 2026-01-28.

Conditions:
Inborn genetic diseases. Identifiers: MedGen C0950123, MeSH D030342.

gnomAD v4.1: 1 of 1,614,202 alleles (0.000062%); highest among the groups gnomAD compares: Non-Finnish European, 0.000085%; no homozygotes.

Submissions (2):

Labcorp Genetics (formerly Invitae), Labcorp
Classification: Uncertain significance. Last evaluated: 2026-01-28. Review status: criteria provided, single submitter. Criteria: Invitae Variant Classification Sherloc (09022015). Collection method: clinical testing. Allele origin: germline.
Comment: This sequence change replaces leucine, which is neutral and non-polar, with phenylalanine, which is neutral and non-polar, at codon 506 of the MBD4 protein (p.Leu506Phe). This variant is not present in population databases (gnomAD no frequency). This variant has not been reported in the literature in individuals affected with MBD4-related conditions. ClinVar contains an entry for this variant (Variation ID: 3700090). An algorithm developed to predict the effect of missense changes on protein structure and function (PolyPhen-2) suggests that this variant is likely to be disruptive. In summary, the available evidence is currently insufficient to determine the role of this variant in disease. Therefore, it has been classified as a Variant of Uncertain Significance.

Ambry Genetics
Classification: Uncertain significance for Inborn genetic diseases. Last evaluated: 2025-02-05. Review status: criteria provided, single submitter. Criteria: Ambry Variant Classification Scheme 2023. Collection method: clinical testing. Allele origin: germline.
Comment: The p.L500F variant (also known as c.1498C>T), located in coding exon 6 of the MBD4 gene, results from a C to T substitution at nucleotide position 1498. The leucine at codon 500 is replaced by phenylalanine, an amino acid with highly similar properties. This amino acid position is conserved. In addition, this alteration is predicted to be deleterious by in silico analysis. Based on the available evidence, the clinical significance of this variant remains unclear.